The following is an entry in ClinVar:

ClinVar aggregate classification (germline): Uncertain significance (1 of 4 stars; one submission).

Conditions:
Idiopathic Pulmonary Fibrosis. Also called: Idiopathic fibrosing alveolitis, chronic form; idiopathic fibrosing alveolitis. Identifiers: Orphanet 2032, MedGen C1800706, MeSH D054990, MONDO:0800504.
Dyskeratosis congenita, autosomal dominant 2. Identifiers: MedGen C3151443, MONDO:0013521, OMIM 613989.

Submission:

Labcorp Genetics (formerly Invitae), Labcorp
Classification: Uncertain significance for Dyskeratosis congenita, autosomal dominant 2; Idiopathic Pulmonary Fibrosis. Last evaluated: 2023-07-19. Review status: criteria provided, single submitter. Criteria: Invitae Variant Classification Sherloc (09022015). Collection method: clinical testing. Allele origin: unknown.
Comment: In summary, the available evidence is currently insufficient to determine the role of this variant in disease. Therefore, it has been classified as a Variant of Uncertain Significance. Experimental studies and prediction algorithms are not available or were not evaluated, and the functional significance of this variant is currently unknown. This variant has not been reported in the literature in individuals affected with TERT-related conditions. This variant results in a copy number gain of the genomic region encompassing exon(s) 1-2 of the TERT gene. This region includes the initiator codon of the gene. This copy number gain extends beyond the assayed region for this gene and therefore may encompass additional genes. As the precise location of this event is unknown, it may be in tandem or it may be located elsewhere in the genome.

NC_000005.9:g.(?_1293408)_(1443312_?)dup

Genes: CLPTM1L (CLPTM1 like), SLC6A3 (solute carrier family 6 member 3), TERT (telomerase reverse transcriptase; minus strand). Cytogenetic location: 5p15.33.
Variant type: Duplication.
Identifiers: ClinVar variation 3246399 (VCV003246399.1).